The following is an entry in ClinVar:

ClinVar aggregate classification (germline): Conflicting classifications of pathogenicity. Review status: criteria provided, conflicting classifications (1 of 4 stars). 3 submissions from 3 submitters: Uncertain significance (2); Likely benign (1). Last evaluated 2025-12-19.

Conditions:
Werner syndrome (WRN). Identifiers: Orphanet 902, MedGen C0043119, MONDO:0010196, OMIM 277700.

Allele frequency attached by ClinVar (database versions not stated): ExAC 0.00001; gnomAD exomes 0.00001 and 0.00002; gnomAD 0.00003; TOPMed 0.00003.

Submissions (3):

Labcorp Genetics (formerly Invitae), Labcorp
Classification: Likely benign for Werner syndrome. Last evaluated: 2025-12-19. Review status: criteria provided, single submitter. Criteria: Invitae Variant Classification Sherloc (09022015). Collection method: clinical testing. Allele origin: germline.

Fulgent Genetics
Classification: Uncertain significance for Werner syndrome. Last evaluated: 2024-03-28. Review status: criteria provided, single submitter. Criteria: ACMG Guidelines, 2015. Collection method: clinical testing. Allele origin: germline.

GeneDx
Classification: Uncertain significance. Last evaluated: 2021-04-12. Review status: criteria provided, single submitter. Criteria: GeneDx Variant Classification Process June 2021. Collection method: clinical testing. Allele origin: germline. Affected: yes.
Comment: In silico analysis supports that this variant does not alter splicing; Has not been previously published as pathogenic or benign to our knowledge

NM_000553.6(WRN):c.201A>G (p.Glu67=)

Gene: WRN (WRN RecQ like helicase; plus strand). Cytogenetic location: 8p12.
Variant type: single nucleotide variant.
Coding change: c.201A>G on transcript NM_000553.6 (MANE Select); coding-DNA position 201, A replaced by G.
Protein change: p.Glu67=; no amino-acid change (glutamic acid 67 retained).
Molecular consequence: synonymous variant.
Genome position (GRCh38, 1-based): chr8:31,059,257, A>G. VCF-style: chr8-31059257-A-G. GRCh37 (hg19) VCF-style: chr8-30916773-A-G.
Identifiers: ClinVar variation 576995 (VCV000576995.13), dbSNP rs764589321, ClinGen allele CA4704001.
Genomic context (GRCh38, chr8:31,059,257, plus strand): 5'-AGAATTCACTGGATCCATTGTGTATAGTTACGATGCTAGTGATTGCTCTTTCCTGTCAGA[A>G]GATATTAGGTAAGTGATTTGAATTTCCTGATTTTATTTGAATTTGGACCCTTAGAAGGTA-3'
Protein context (NP_000544.2, residues 57-77): YDASDCSFLS[Glu67=]DISMSLSDGD